The following is an entry in ClinVar:

ClinVar aggregate classification (germline): Pathogenic (1 of 4 stars; one submission).

Conditions:
Colorectal cancer, hereditary nonpolyposis, type 7. Identifiers: Orphanet 144, MedGen C1858380, MONDO:0013725, OMIM 614385.

Submission:

Myriad Genetics, Inc.
Classification: Pathogenic for Colorectal cancer, hereditary nonpolyposis, type 7. Last evaluated: 2026-09-23. Review status: criteria provided, single submitter. Criteria: Myriad Autosomal Dominant, Autosomal Recessive and X-Linked Classification Criteria (2023). Collection method: clinical testing. Allele origin: unknown.
Comment: This variant is considered pathogenic. This variant creates a termination codon and is predicted to result in premature protein truncation.

NM_001040108.2(MLH3):c.1334C>G (p.Ser445Ter)

Gene: MLH3 (mutL homolog 3; minus strand). Cytogenetic location: 14q24.3.
Variant type: single nucleotide variant.
Coding change: c.1334C>G on transcript NM_001040108.2 (MANE Select); coding-DNA position 1334, C replaced by G.
Protein change: p.Ser445Ter; replaces serine 445 with a stop codon.
Molecular consequence: nonsense.
Genome position (GRCh38, 1-based): chr14:75,048,322, G>C on the plus strand (C>G on the coding strand, the complement: MLH3 is on the minus strand). VCF-style: chr14-75048322-G-C. GRCh37 (hg19) VCF-style: chr14-75515025-G-C.
Other names: c.1334C>G, p.Ser445Ter (NM_014381.3); short protein forms S445*.
Identifiers: ClinVar variation 5042299 (VCV005042299.1).